The following is an entry in ClinVar:

ClinVar aggregate classification (germline): Uncertain significance (1 of 4 stars; one submission).

Conditions:
Aortic valve disease 2 (AOVD2). Identifiers: OMIM 614823, MedGen C3542024, MONDO:0013902.

Allele frequency attached by ClinVar (database versions not stated): TOPMed below 0.00001.
gnomAD v4.1: 1 of 1,320,232 alleles (0.000076%); highest among the groups gnomAD compares: Non-Finnish European, 0.000097%; no homozygotes.

Submission:

Labcorp Genetics (formerly Invitae), Labcorp
Classification: Uncertain significance for Aortic valve disease 2. Last evaluated: 2023-11-14. Review status: criteria provided, single submitter. Criteria: Invitae Variant Classification Sherloc (09022015). Collection method: clinical testing. Allele origin: germline.
Comment: This sequence change replaces leucine, which is neutral and non-polar, with arginine, which is basic and polar, at codon 207 of the SMAD6 protein (p.Leu207Arg). This variant is not present in population databases (gnomAD no frequency). This variant has not been reported in the literature in individuals affected with SMAD6-related conditions. Advanced modeling of protein sequence and biophysical properties (such as structural, functional, and spatial information, amino acid conservation, physicochemical variation, residue mobility, and thermodynamic stability) performed at Invitae indicates that this missense variant is not expected to disrupt SMAD6 protein function with a negative predictive value of 80%. In summary, the available evidence is currently insufficient to determine the role of this variant in disease. Therefore, it has been classified as a Variant of Uncertain Significance.

NM_005585.5(SMAD6):c.620T>G (p.Leu207Arg)

Gene: SMAD6 (SMAD family member 6; plus strand). Cytogenetic location: 15q22.31.
Variant type: single nucleotide variant.
Coding change: c.620T>G on transcript NM_005585.5 (MANE Select); coding-DNA position 620, T replaced by G.
Protein change: p.Leu207Arg; replaces leucine 207 with arginine.
Molecular consequence: missense variant. On other transcripts: non-coding transcript variant (1).
Genome position (GRCh38, 1-based): chr15:66,703,878, T>G. VCF-style: chr15-66703878-T-G. GRCh37 (hg19) VCF-style: chr15-66996216-T-G.
Other names: short protein forms L207R.
Identifiers: ClinVar variation 2823011 (VCV002823011.3), dbSNP rs1354683586, ClinGen allele CA392949911.